The following is an entry in ClinVar:

NM_000257.4(MYH7):c.3853+1G>A

Gene: MYH7 (myosin heavy chain 7; minus strand). Cytogenetic location: 14q11.2.
Variant type: single nucleotide variant.
Coding change: c.3853+1G>A on transcript NM_000257.4 (MANE Select); the canonical splice donor site of the intron after coding-DNA position 3853, G replaced by A.
Molecular consequence: splice donor variant.
Genome position (GRCh38, 1-based): chr14:23,419,482, C>T on the plus strand (G>A on the coding strand, the complement: MYH7 is on the minus strand). VCF-style: chr14-23419482-C-T. GRCh37 (hg19) VCF-style: chr14-23888691-C-T.
Other names: c.3853+1G>A (NM_001407004.1).
Identifiers: ClinVar variation 222733 (VCV000222733.7), dbSNP rs202031879, ClinGen allele CA039140.

ClinVar aggregate classification (germline): Uncertain significance. Review status: criteria provided, multiple submitters, no conflicts (2 of 4 stars). 3 submissions from 3 submitters: Uncertain significance (3). Last evaluated 2025-07-10.

Conditions:
Cardiomyopathy (CMYO). Also called: Cardiomyopathies. Identifiers: Orphanet 167848, MedGen C0878544, MONDO:0004994, HP:0001638. Inheritance: Various modes of inheritance.
Primary dilated cardiomyopathy (DCM). Also called: Dilated Cardiomyopathy. Identifiers: Orphanet 217604, MedGen C0007193, MeSH D002311, MONDO:0005021, HP:0001644. Inheritance: Various modes of inheritance.

Allele frequency attached by ClinVar (database versions not stated): gnomAD 0.00001; ExAC 0.00002; gnomAD exomes 0.00002; 1000 Genomes Project 30x 0.00016; 1000 Genomes Project 0.00020.

Submissions (3):

Color Diagnostics, LLC DBA Color Health
Classification: Uncertain significance for Cardiomyopathy. Last evaluated: 2025-07-10. Review status: criteria provided, single submitter. Criteria: ACMG Guidelines, 2015. Collection method: clinical testing. Allele origin: germline.
Comment: This variant causes a G to A nucleotide substitution at +1 position of intron 28 in the MYH7 gene. To our knowledge, functional studies have not been reported for this variant. This variant has not been reported in individuals affected with MYH7-related disorders in the literature. This variant has been identified in 5/251428 chromosomes in the general population by the Genome Aggregation Database (gnomAD). Clinical significance of loss-of-function MYH7 truncation variants in autosomal dominant cardiovascular disorders is not clearly established. The available evidence is insufficient to determine the role of this variant in disease conclusively. Therefore, this variant is classified as a Variant of Uncertain Significance.

Blueprint Genetics
Classification: Uncertain significance. Last evaluated: 2024-09-11. Review status: criteria provided, single submitter. Criteria: ACMG Guidelines, 2015. Collection method: clinical testing. Allele origin: germline.

All of Us Research Program, National Institutes of Health
Classification: Uncertain significance for Primary dilated cardiomyopathy. Last evaluated: 2024-01-03. Review status: criteria provided, single submitter. Criteria: ACMG Guidelines, 2015. Collection method: clinical testing. Allele origin: germline. Inheritance: Autosomal dominant inheritance. Observed: 1 variant allele, 1 heterozygote.
Comment: This study involves interpretation of variants in research participants for the purpose of population health screening. Participant phenotype was not available at the time of variant classification. Additional details can be found in publication PMID: 35346344, PMCID: PMC8962531